The following is an entry in ClinVar:

ClinVar aggregate classification (germline): Uncertain significance (1 of 4 stars; one submission).

Submission:

Dasa
Classification: Uncertain significance. Last evaluated: 2025-10-21. Review status: criteria provided, single submitter. Criteria: DASA Assertion Criteria. Collection method: clinical testing. Allele origin: germline.
Comment: NM_014975.3(MAST1):c.3263+1G>A affects a canonical splice site and is predicted to disrupt normal RNA splicing. This variant is absent from population databases. Computational prediction algorithms are consistent with a deleterious effect. The currently available literature and clinical evidence are not sufficient to establish a definitive association between this variant and the reported condition. Therefore, this variant is classified as a variant of uncertain significance.

NM_014975.3(MAST1):c.3263+1G>A

Gene: MAST1 (microtubule associated serine/threonine kinase 1; plus strand). Cytogenetic location: 19p13.13.
Variant type: single nucleotide variant.
Coding change: c.3263+1G>A on transcript NM_014975.3 (MANE Select); the canonical splice donor site of the intron after coding-DNA position 3263, G replaced by A.
Molecular consequence: splice donor variant.
Genome position (GRCh38, 1-based): chr19:12,871,173, G>A. VCF-style: chr19-12871173-G-A. GRCh37 (hg19) VCF-style: chr19-12981987-G-A.
Identifiers: ClinVar variation 4886077 (VCV004886077.2).